The following is an entry in ClinVar:

ClinVar aggregate classification (germline): Likely benign. Review status: criteria provided, multiple submitters, no conflicts (2 of 4 stars). 2 submissions from 2 submitters: Likely benign (2). Last evaluated 2025-12-30.

Conditions:
ADGRV1-related disorder. Also called: ADGRV1-related condition; ADGRV1-related disorders.

Allele frequency attached by ClinVar (database versions not stated): gnomAD exomes 0.00001.
gnomAD v4.1: 16 of 1,572,776 alleles (0.001%); highest among the groups gnomAD compares: South Asian, 0.015%; no homozygotes.

Submissions (2):

PreventionGenetics, part of Exact Sciences
Classification: Likely benign for ADGRV1-related condition. Last evaluated: 2025-12-30. Review status: criteria provided, single submitter. Criteria: ACMG Guidelines, 2015. Collection method: clinical testing. Allele origin: germline.
Comment: This variant is classified as likely benign based on ACMG/AMP sequence variant interpretation guidelines (Richards et al. 2015 PMID: 25741868, with internal and published modifications).

Labcorp Genetics (formerly Invitae), Labcorp
Classification: Likely benign. Last evaluated: 2024-01-31. Review status: criteria provided, single submitter. Criteria: Invitae Variant Classification Sherloc (09022015). Collection method: clinical testing. Allele origin: germline.

NM_032119.4(ADGRV1):c.11377+8T>C

Gene: ADGRV1 (adhesion G protein-coupled receptor V1; plus strand). Cytogenetic location: 5q14.3.
Variant type: single nucleotide variant.
Coding change: c.11377+8T>C on transcript NM_032119.4 (MANE Select); 8 bases into the intron after coding-DNA position 11377, T replaced by C.
Molecular consequence: intron variant.
Genome position (GRCh38, 1-based): chr5:90,753,837, T>C. VCF-style: chr5-90753837-T-C. GRCh37 (hg19) VCF-style: chr5-90049654-T-C.
Other names: c.11377+8T>C (NM_032119.3).
Identifiers: ClinVar variation 1100207 (VCV001100207.10), dbSNP rs776337670, ClinGen allele CA3340950.